The following is an entry in ClinVar:

ClinVar aggregate classification (germline): Benign/Likely benign. Review status: criteria provided, multiple submitters, no conflicts (2 of 4 stars). 5 submissions from 5 submitters: Benign (1); Likely benign (4). Last evaluated 2025-11-13.

Conditions:
Familial cancer of breast. Also called: Hereditary breast cancer; hereditary breast carcinoma; BREAST CANCER, FAMILIAL. Identifiers: Orphanet 227535, MedGen C0346153, MONDO:0016419, OMIM 114480. Disease mechanism: loss of function.
Hereditary cancer-predisposing syndrome. Also called: Hereditary neoplastic syndrome; Tumor predisposition; Hereditary Cancer Syndrome; Neoplastic Syndromes, Hereditary. Identifiers: Orphanet 140162, MedGen C0027672, MeSH D009386, MONDO:0015356.

Allele frequency attached by ClinVar (database versions not stated): gnomAD exomes below 0.00001; TOPMed below 0.00001.
gnomAD v4.1: 1 of 1,614,226 alleles (0.000062%); highest among the groups gnomAD compares: Non-Finnish European, 0.000085%; no homozygotes.

Submissions (5):

Labcorp Genetics (formerly Invitae), Labcorp
Classification: Likely benign for Familial cancer of breast. Last evaluated: 2025-11-13. Review status: criteria provided, single submitter. Criteria: Invitae Variant Classification Sherloc (09022015). Collection method: clinical testing. Allele origin: germline.

Myriad Genetics, Inc.
Classification: Benign for Familial cancer of breast. Last evaluated: 2025-01-17. Review status: criteria provided, single submitter. Criteria: Myriad Autosomal Dominant, Autosomal Recessive and X-Linked Classification Criteria (2023). Collection method: clinical testing. Allele origin: unknown.
Comment: This variant is considered benign. This variant is a silent/synonymous amino acid change and it is not expected to impact splicing.

Ambry Genetics
Classification: Likely benign for Hereditary cancer-predisposing syndrome. Last evaluated: 2024-07-09. Review status: criteria provided, single submitter. Criteria: Ambry Variant Classification Scheme 2023. Collection method: clinical testing. Allele origin: germline.

Women's Health and Genetics/Laboratory Corporation of America, LabCorp
Classification: Likely benign. Last evaluated: 2023-01-12. Review status: criteria provided, single submitter. Criteria: LabCorp Variant Classification Summary - May 2015. Collection method: clinical testing. Allele origin: germline.

Color Diagnostics, LLC DBA Color Health
Classification: Likely benign for Hereditary cancer-predisposing syndrome. Last evaluated: 2017-09-16. Review status: criteria provided, single submitter. Criteria: ACMG Guidelines, 2015. Collection method: clinical testing. Allele origin: germline.

NM_024675.4(PALB2):c.2715G>A (p.Gln905=)

Gene: PALB2 (partner and localizer of BRCA2; minus strand). Cytogenetic location: 16p12.2.
Variant type: single nucleotide variant.
Coding change: c.2715G>A on transcript NM_024675.4 (MANE Select); coding-DNA position 2715, G replaced by A.
Protein change: p.Gln905=; no amino-acid change (glutamine 905 retained).
Molecular consequence: synonymous variant.
Genome position (GRCh38, 1-based): chr16:23,626,269, C>T on the plus strand (G>A on the coding strand, the complement: PALB2 is on the minus strand). VCF-style: chr16-23626269-C-T. GRCh37 (hg19) VCF-style: chr16-23637590-C-T.
Identifiers: ClinVar variation 492196 (VCV000492196.19), dbSNP rs1555459937, ClinGen allele CA494161198.